The following is an entry in ClinVar:

ClinVar aggregate classification (germline): Likely benign. Review status: criteria provided, multiple submitters, no conflicts (2 of 4 stars). 3 submissions from 3 submitters: Likely benign (3). Last evaluated 2026-01-05.

Allele frequency attached by ClinVar (database versions not stated): gnomAD exomes 0.00003 and 0.00001; gnomAD 0.00010; TOPMed 0.00015; ExAC 0.00002; 1000 Genomes Project 30x 0.00031; 1000 Genomes Project 0.00020.
gnomAD v4.1: 31 of 1,604,876 alleles (0.0019%); highest among the groups gnomAD compares: African/African-American, 0.037%; no homozygotes.

Submissions (3):

Labcorp Genetics (formerly Invitae), Labcorp
Classification: Likely benign. Last evaluated: 2026-01-05. Review status: criteria provided, single submitter. Criteria: Invitae Variant Classification Sherloc (09022015). Collection method: clinical testing. Allele origin: germline.

Mayo Clinic Laboratories, Mayo Clinic
Classification: Likely benign. Last evaluated: 2024-12-26. Review status: criteria provided, single submitter. Criteria: ACMG Guidelines, 2015. Collection method: clinical testing. Allele origin: germline. Observed: 1 variant allele.
Comment: BP4, BP7

GeneDx
Classification: Likely benign. Last evaluated: 2020-12-30. Review status: criteria provided, single submitter. Criteria: GeneDx Variant Classification Process June 2021. Collection method: clinical testing. Allele origin: germline. Affected: yes.

NM_177924.5(ASAH1):c.1137T>A (p.Gly379=)

Gene: ASAH1 (N-acylsphingosine amidohydrolase 1; minus strand). Cytogenetic location: 8p22.
Variant type: single nucleotide variant.
Coding change: c.1137T>A on transcript NM_177924.5 (MANE Select); coding-DNA position 1137, T replaced by A.
Protein change: p.Gly379=; no amino-acid change (glycine 379 retained).
Molecular consequence: synonymous variant.
Genome position (GRCh38, 1-based): chr8:18,057,585, A>T on the plus strand (T>A on the coding strand, the complement: ASAH1 is on the minus strand). VCF-style: chr8-18057585-A-T. GRCh37 (hg19) VCF-style: chr8-17915094-A-T.
Other names: p.Gly379=; c.1119T>A, p.Gly373= (NM_001127505.3); c.942T>A, p.Gly314= (NM_001363743.2); c.1185T>A, p.Gly395= (NM_004315.6).
Identifiers: ClinVar variation 1187933 (VCV001187933.11), dbSNP rs548760913, ClinGen allele CA4650501.